The following is an entry in ClinVar:

NM_001377229.1(DISP1):c.3228G>C (p.Leu1076=)

Gene: DISP1 (dispatched RND transporter family member 1; plus strand). Cytogenetic location: 1q41.
Variant type: single nucleotide variant.
Coding change: c.3228G>C on transcript NM_001377229.1 (MANE Select); coding-DNA position 3228, G replaced by C.
Protein change: p.Leu1076=; no amino-acid change (leucine 1076 retained).
Molecular consequence: synonymous variant.
Genome position (GRCh38, 1-based): chr1:223,004,625, G>C. VCF-style: chr1-223004625-G-C. GRCh37 (hg19) VCF-style: chr1-223177967-G-C.
Other names: c.2499G>C, p.Leu833= (NM_001350630.2); c.3228G>C, p.Leu1076= (NM_001369594.1, NM_001377228.1, NM_032890.5).
Identifiers: ClinVar variation 2702339 (VCV002702339.10), dbSNP rs147982989, ClinGen allele CA1409371.

ClinVar aggregate classification (germline): Likely benign. Review status: criteria provided, multiple submitters, no conflicts (2 of 4 stars). 2 submissions from 2 submitters: Likely benign (2). Last evaluated 2025-09-01.

Allele frequency attached by ClinVar (database versions not stated): gnomAD 0.00007; ExAC 0.00008; ESP Exome Variant Server 0.00008; TOPMed 0.00008; gnomAD exomes 0.00022.
gnomAD v4.1: 328 of 1,613,890 alleles (0.02%); highest among the groups gnomAD compares: Non-Finnish European, 0.027%; no homozygotes.

Submissions (2):

CeGaT Center for Human Genetics Tuebingen
Classification: Likely benign. Last evaluated: 2025-09-01. Review status: criteria provided, single submitter. Criteria: CeGaT Center For Human Genetics Tuebingen Variant Classification Criteria Version 2. Collection method: clinical testing. Allele origin: germline. Affected: yes. Observed: 1 variant allele.
Comment: DISP1: BP4, BP7

Labcorp Genetics (formerly Invitae), Labcorp
Classification: Likely benign. Last evaluated: 2024-08-31. Review status: criteria provided, single submitter. Criteria: Invitae Variant Classification Sherloc (09022015). Collection method: clinical testing. Allele origin: germline.